The following is an entry in ClinVar:

ClinVar aggregate classification (germline): Likely pathogenic (1 of 4 stars; one submission).

Conditions:
Usher syndrome type 1 (USH1). Also called: RETINITIS PIGMENTOSA AND CONGENITAL DEAFNESS. Identifiers: Orphanet 231169, Orphanet 886, MedGen C1568247, MONDO:0010168, OMIM 276900.

Submission:

Myriad Genetics, Inc.
Classification: Likely pathogenic for Usher syndrome type 1. Last evaluated: 2022-01-02. Review status: criteria provided, single submitter. Criteria: Myriad Women's Health Autosomal Recessive and X-Linked Classification Criteria (2021). Collection method: clinical testing. Allele origin: unknown.
Comment: NM_000260.3(MYO7A):c.2089A>T(K697*) is expected to be pathogenic in the context of MYO7A-related disorders. This variant is predicted to lead to an abnormal or absent protein product due to the creation of a premature termination codon in MYO7A, a gene where loss-of-function variants are known to be pathogenic. Please note: this variant was assessed in the context of healthy population screening.

NM_000260.4(MYO7A):c.2089A>T (p.Lys697Ter)

Gene: MYO7A (myosin VIIA; plus strand). Cytogenetic location: 11q13.5.
Variant type: single nucleotide variant.
Coding change: c.2089A>T on transcript NM_000260.4 (MANE Select); coding-DNA position 2089, A replaced by T.
Protein change: p.Lys697Ter; replaces lysine 697 with a stop codon.
Molecular consequence: nonsense.
Genome position (GRCh38, 1-based): chr11:77,174,909, A>T. VCF-style: chr11-77174909-A-T. GRCh37 (hg19) VCF-style: chr11-76885955-A-T.
Other names: c.2089A>T, p.Lys697Ter (NM_001127180.2); c.2056A>T, p.Lys686Ter (NM_001369365.1); short protein forms K686*, K697*.
Identifiers: ClinVar variation 1726928 (VCV001726928.2), dbSNP rs2497079486, ClinGen allele CA381939574.